The following is an entry in ClinVar:

ClinVar aggregate classification (germline): Uncertain significance (1 of 4 stars; one submission).

Submission:

Ambry Genetics
Classification: Uncertain significance. Last evaluated: 2026-07-25. Review status: criteria provided, single submitter. Criteria: Ambry Variant Classification Scheme 2023. Collection method: clinical testing. Allele origin: germline.
Comment: The p.V1408F variant (also known as c.4222G>T), located in coding exon 14 of the CDK12 gene, results from a G to T substitution at nucleotide position 4222. The valine at codon 1408 is replaced by phenylalanine, an amino acid with highly similar properties. This amino acid position is conserved. In addition, the in silico prediction for this alteration is inconclusive. Based on the available evidence, the clinical significance of this variant remains unclear.

NM_016507.4(CDK12):c.4222G>T (p.Val1408Phe)

Gene: CDK12 (cyclin dependent kinase 12; plus strand). Cytogenetic location: 17q12.
Variant type: single nucleotide variant.
Coding change: c.4222G>T on transcript NM_016507.4 (MANE Select); coding-DNA position 4222, G replaced by T.
Protein change: p.Val1408Phe; replaces valine 1408 with phenylalanine.
Molecular consequence: missense variant.
Genome position (GRCh38, 1-based): chr17:39,531,065, G>T. VCF-style: chr17-39531065-G-T. GRCh37 (hg19) VCF-style: chr17-37687318-G-T.
Other names: c.4195G>T, p.Val1399Phe (NM_015083.4); short protein forms V1399F, V1408F.
Identifiers: ClinVar variation 5034113 (VCV005034113.1).